The following is an entry in ClinVar:

ClinVar aggregate classification (germline): Uncertain significance (1 of 4 stars; one submission).

Submission:

Labcorp Genetics (formerly Invitae), Labcorp
Classification: Uncertain significance. Last evaluated: 2022-06-25. Review status: criteria provided, single submitter. Criteria: Invitae Variant Classification Sherloc (09022015). Collection method: clinical testing. Allele origin: germline.
Comment: This sequence change replaces glycine, which is neutral and non-polar, with valine, which is neutral and non-polar, at codon 1192 of the COL11A1 protein (p.Gly1192Val). This variant is not present in population databases (gnomAD no frequency). This variant has not been reported in the literature in individuals affected with COL11A1-related conditions. In summary, the available evidence is currently insufficient to determine the role of this variant in disease. Therefore, it has been classified as a Variant of Uncertain Significance. Advanced modeling of protein sequence and biophysical properties (such as structural, functional, and spatial information, amino acid conservation, physicochemical variation, residue mobility, and thermodynamic stability) performed at Invitae indicates that this missense variant is expected to disrupt COL11A1 protein function.

NM_001854.4(COL11A1):c.3575G>T (p.Gly1192Val)

Gene: COL11A1 (collagen type XI alpha 1 chain; minus strand). Cytogenetic location: 1p21.1.
Variant type: single nucleotide variant.
Coding change: c.3575G>T on transcript NM_001854.4 (MANE Select); coding-DNA position 3575, G replaced by T.
Protein change: p.Gly1192Val; replaces glycine 1192 with valine.
Molecular consequence: missense variant. On other transcripts: non-coding transcript variant (1).
Genome position (GRCh38, 1-based): chr1:102,934,474, C>A on the plus strand (G>T on the coding strand, the complement: COL11A1 is on the minus strand). VCF-style: chr1-102934474-C-A. GRCh37 (hg19) VCF-style: chr1-103400030-C-A.
Other names: c.3227G>T, p.Gly1076Val (NM_001168249.1, NM_080630.4); c.3458G>T, p.Gly1153Val (NM_001190709.2); c.3611G>T, p.Gly1204Val (NM_080629.3); short protein forms G1076V, G1192V, G1153V, G1204V.
Identifiers: ClinVar variation 2113979 (VCV002113979.4), dbSNP rs2524687502, ClinGen allele CA341167365.